The following is an entry in ClinVar:

ClinVar aggregate classification (germline): Uncertain significance (1 of 4 stars; one submission).

Submission:

Ambry Genetics
Classification: Uncertain significance. Last evaluated: 2025-05-24. Review status: criteria provided, single submitter. Criteria: Ambry Variant Classification Scheme 2023. Collection method: clinical testing. Allele origin: germline.
Comment: The p.Q33H variant (also known as c.99A>T), located in coding exon 2 of the RECQL gene, results from an A to T substitution at nucleotide position 99. The glutamine at codon 33 is replaced by histidine, an amino acid with highly similar properties. This amino acid position is conserved. In addition, this alteration is predicted to be tolerated by in silico analysis. Based on the available evidence, the clinical significance of this variant remains unclear.

NM_002907.4(RECQL):c.99A>T (p.Gln33His)

Gene: RECQL (RecQ like helicase; minus strand). Cytogenetic location: 12p12.1.
Variant type: single nucleotide variant.
Coding change: c.99A>T on transcript NM_002907.4 (MANE Select); coding-DNA position 99, A replaced by T.
Protein change: p.Gln33His; replaces glutamine 33 with histidine.
Molecular consequence: missense variant.
Genome position (GRCh38, 1-based): chr12:21,491,634, T>A on the plus strand (A>T on the coding strand, the complement: RECQL is on the minus strand). VCF-style: chr12-21491634-T-A. GRCh37 (hg19) VCF-style: chr12-21644568-T-A.
Other names: c.99A>T, p.Gln33His (NM_032941.3); short protein forms Q33H.
Identifiers: ClinVar variation 3944221 (VCV003944221.1).
Genomic context (GRCh38, chr12:21,491,634, plus strand): 5'-AGAATCCTCTAAACACTGCTTTATTTTCTTTGTCAGGACTTTTTTTTTCTGAATAAGCTC[T>A]TGTTGCCTTTCCGTAAGTTCTTGAATTTGAATTTCTACTGCATGTAGCTCACTGGTTATA-3'
Protein context (NP_002898.2, residues 23-43): IQIQELTERQ[Gln33His]ELIQKKKVLT